The following is an entry in ClinVar:

NM_004336.5(BUB1):c.1308T>G (p.Ser436Arg)

Gene: BUB1 (BUB1 mitotic checkpoint serine/threonine kinase; minus strand). Cytogenetic location: 2q13.
Variant type: single nucleotide variant.
Coding change: c.1308T>G on transcript NM_004336.5 (MANE Select); coding-DNA position 1308, T replaced by G.
Protein change: p.Ser436Arg; replaces serine 436 with arginine.
Molecular consequence: missense variant.
Genome position (GRCh38, 1-based): chr2:110,658,711, A>C on the plus strand (T>G on the coding strand, the complement: BUB1 is on the minus strand). VCF-style: chr2-110658711-A-C. GRCh37 (hg19) VCF-style: chr2-111416288-A-C.
Other names: c.1248T>G, p.Ser416Arg (NM_001278616.2); c.1308T>G, p.Ser436Arg (NM_001278617.2); short protein forms S436R, S416R.
Identifiers: ClinVar variation 1769583 (VCV001769583.2), dbSNP rs2468010547, ClinGen allele CA348212703.

ClinVar aggregate classification (germline): Uncertain significance (1 of 4 stars; one submission).

Submission:

Ambry Genetics
Classification: Uncertain significance. Last evaluated: 2022-08-13. Review status: criteria provided, single submitter. Criteria: Ambry Variant Classification Scheme 2023. Collection method: clinical testing. Allele origin: germline.
Comment: The p.S436R variant (also known as c.1308T>G), located in coding exon 12 of the BUB1 gene, results from a T to G substitution at nucleotide position 1308. The serine at codon 436 is replaced by arginine, an amino acid with dissimilar properties. This amino acid position is conserved. In addition, this alteration is predicted to be tolerated by in silico analysis. Since supporting evidence is limited at this time, the clinical significance of this alteration remains unclear.